The following is an entry in ClinVar:

NM_002074.5(GNB1):c.550A>G (p.Thr184Ala)

Gene: GNB1 (G protein subunit beta 1; minus strand). Cytogenetic location: 1p36.33.
Variant type: single nucleotide variant.
Coding change: c.550A>G on transcript NM_002074.5 (MANE Select); coding-DNA position 550, A replaced by G.
Protein change: p.Thr184Ala; replaces threonine 184 with alanine.
Molecular consequence: missense variant.
Genome position (GRCh38, 1-based): chr1:1,790,544, T>C on the plus strand (A>G on the coding strand, the complement: GNB1 is on the minus strand). VCF-style: chr1-1790544-T-C. GRCh37 (hg19) VCF-style: chr1-1721983-T-C.
Other names: c.250A>G, p.Thr84Ala (NM_001282538.2); c.550A>G, p.Thr184Ala (NM_001282539.2); short protein forms T184A, T84A.
Identifiers: ClinVar variation 1524196 (VCV001524196.6), dbSNP rs2100503859, ClinGen allele CA337906971.
Genomic context (GRCh38, chr1:1,790,544, plus strand): 5'-AAGCACCAGAGACGAACAGTCTGGTGTCAGGAGCAAGAGAAAGGCTCATGACATCTCCAG[T>C]GTGTCCGGTAAACGTGGTCGTCTGCTGGCCGGTCTCGATGTCCCACAGGGCACTGGAGCA-3'
Protein context (NP_002065.1, residues 174-194): GQQTTTFTGH[Thr184Ala]GDVMSLSLAP

ClinVar aggregate classification (germline): Uncertain significance (1 of 4 stars; one submission).

Allele frequency attached by ClinVar (database versions not stated): gnomAD exomes below 0.00001.
gnomAD v4.1: 1 of 1,613,774 alleles (0.000062%); highest among the groups gnomAD compares: South Asian, 0.0011%; no homozygotes.

Submission:

Labcorp Genetics (formerly Invitae), Labcorp
Classification: Uncertain significance. Last evaluated: 2022-10-26. Review status: criteria provided, single submitter. Criteria: Invitae Variant Classification Sherloc (09022015). Collection method: clinical testing. Allele origin: germline.
Comment: This sequence change replaces threonine, which is neutral and polar, with alanine, which is neutral and non-polar, at codon 184 of the GNB1 protein (p.Thr184Ala). This variant is not present in population databases (gnomAD no frequency). This variant has not been reported in the literature in individuals affected with GNB1-related conditions. ClinVar contains an entry for this variant (Variation ID: 1524196). Advanced modeling of protein sequence and biophysical properties (such as structural, functional, and spatial information, amino acid conservation, physicochemical variation, residue mobility, and thermodynamic stability) performed at Invitae indicates that this missense variant is not expected to disrupt GNB1 protein function. In summary, the available evidence is currently insufficient to determine the role of this variant in disease. Therefore, it has been classified as a Variant of Uncertain Significance.